The following is an entry in ClinVar:

ClinVar aggregate classification (germline): Uncertain significance (1 of 4 stars; one submission).

Allele frequency attached by ClinVar (database versions not stated): TOPMed 0.00002; gnomAD 0.00003; gnomAD exomes 0.00003; ExAC 0.00002.
gnomAD v4.1: 42 of 1,614,040 alleles (0.0026%); highest among the groups gnomAD compares: Admixed American, 0.005%; no homozygotes.

Submission:

Labcorp Genetics (formerly Invitae), Labcorp
Classification: Uncertain significance. Last evaluated: 2025-03-31. Review status: criteria provided, single submitter. Criteria: Invitae Variant Classification Sherloc (09022015). Collection method: clinical testing. Allele origin: germline.
Comment: This sequence change replaces arginine, which is basic and polar, with glutamine, which is neutral and polar, at codon 983 of the ATP2B2 protein (p.Arg983Gln). This variant is present in population databases (rs778300525, gnomAD 0.006%). This variant has not been reported in the literature in individuals affected with ATP2B2-related conditions. ClinVar contains an entry for this variant (Variation ID: 2982868). Invitae Evidence Modeling of protein sequence and biophysical properties (such as structural, functional, and spatial information, amino acid conservation, physicochemical variation, residue mobility, and thermodynamic stability) indicates that this missense variant is not expected to disrupt ATP2B2 protein function with a negative predictive value of 80%. In summary, the available evidence is currently insufficient to determine the role of this variant in disease. Therefore, it has been classified as a Variant of Uncertain Significance.

NM_001001331.4(ATP2B2):c.3083G>A (p.Arg1028Gln)

Gene: ATP2B2 (ATPase plasma membrane Ca2+ transporting 2; minus strand). Cytogenetic location: 3p25.3.
Variant type: single nucleotide variant.
Coding change: c.3083G>A on transcript NM_001001331.4 (MANE Select); coding-DNA position 3083, G replaced by A.
Protein change: p.Arg1028Gln; replaces arginine 1028 with glutamine.
Molecular consequence: missense variant.
Genome position (GRCh38, 1-based): chr3:10,340,539, C>T on the plus strand (G>A on the coding strand, the complement: ATP2B2 is on the minus strand). VCF-style: chr3-10340539-C-T. GRCh37 (hg19) VCF-style: chr3-10382223-C-T.
Other names: c.2948G>A, p.Arg983Gln (NM_001330611.3, NM_001353564.1, NM_001363862.1 and 1 more transcripts); short protein forms R983Q, R1028Q.
Identifiers: ClinVar variation 2982868 (VCV002982868.3), dbSNP rs778300525, ClinGen allele CA2253201.